The following is an entry in ClinVar:

ClinVar aggregate classification (germline): Uncertain significance. Review status: criteria provided, multiple submitters, no conflicts (2 of 4 stars). 5 submissions from 5 submitters: Uncertain significance (5). Last evaluated 2025-10-13.

Conditions:
Hereditary cancer-predisposing syndrome. Also called: Neoplastic Syndromes, Hereditary; Tumor predisposition; Hereditary Cancer Syndrome; Hereditary neoplastic syndrome. Identifiers: Orphanet 140162, MedGen C0027672, MeSH D009386, MONDO:0015356.
Familial adenomatous polyposis 1 (FAP1). Also called: FAMILIAL ADENOMATOUS POLYPOSIS 1, ATTENUATED; POLYPOSIS, ADENOMATOUS INTESTINAL. Identifiers: MedGen C2713442, MONDO:0021056, OMIM 175100. Disease mechanism: loss of function.

Allele frequency attached by ClinVar (database versions not stated): TOPMed below 0.00001.

Submissions (5):

Labcorp Genetics (formerly Invitae), Labcorp
Classification: Uncertain significance for Familial adenomatous polyposis 1. Last evaluated: 2025-10-13. Review status: criteria provided, single submitter. Criteria: Invitae Variant Classification Sherloc (09022015). Collection method: clinical testing. Allele origin: germline.
Comment: This sequence change replaces cysteine, which is neutral and slightly polar, with glycine, which is neutral and non-polar, at codon 914 of the APC protein (p.Cys914Gly). This variant is not present in population databases (gnomAD no frequency). This variant has not been reported in the literature in individuals affected with APC-related conditions. ClinVar contains an entry for this variant (Variation ID: 482449). Invitae Evidence Modeling of protein sequence and biophysical properties (such as structural, functional, and spatial information, amino acid conservation, physicochemical variation, residue mobility, and thermodynamic stability) indicates that this missense variant is not expected to disrupt APC protein function with a negative predictive value of 95%. In summary, the available evidence is currently insufficient to determine the role of this variant in disease. Therefore, it has been classified as a Variant of Uncertain Significance.

Ambry Genetics
Classification: Uncertain significance for Hereditary cancer-predisposing syndrome. Last evaluated: 2024-06-04. Review status: criteria provided, single submitter. Criteria: Ambry Variant Classification Scheme 2023. Collection method: clinical testing. Allele origin: germline.
Comment: The p.C914G variant (also known as c.2740T>G), located in coding exon 15 of the APC gene, results from a T to G substitution at nucleotide position 2740. The cysteine at codon 914 is replaced by glycine, an amino acid with highly dissimilar properties. This amino acid position is well conserved in available vertebrate species. In addition, in silico predictors for this gene do not accurately predict pathogenicity. Since supporting evidence is limited at this time, the clinical significance of this alteration remains unclear.

Baylor Genetics
Classification: Uncertain significance for Familial adenomatous polyposis 1. Last evaluated: 2023-09-27. Review status: criteria provided, single submitter. Criteria: ACMG Guidelines, 2015. Collection method: clinical testing. Allele origin: unknown.

GeneDx
Classification: Uncertain significance. Last evaluated: 2022-05-11. Review status: criteria provided, single submitter. Criteria: GeneDx Variant Classification Process June 2021. Collection method: clinical testing. Allele origin: germline. Affected: yes.
Comment: Not observed at significant frequency in large population cohorts (gnomAD); In silico analysis supports that this missense variant does not alter protein structure/function; Has not been previously published as pathogenic or benign to our knowledge; This variant is associated with the following publications: (PMID: 26934577)

Color Diagnostics, LLC DBA Color Health
Classification: Uncertain significance for Hereditary cancer-predisposing syndrome. Last evaluated: 2021-07-29. Review status: criteria provided, single submitter. Criteria: ACMG Guidelines, 2015. Collection method: clinical testing. Allele origin: germline.
Comment: This missense variant replaces cysteine with glycine at codon 914 of the APC protein. Computational prediction suggests that this variant may not impact protein structure and function (internally defined REVEL score threshold <= 0.5, PMID: 27666373). To our knowledge, functional studies have not been reported for this variant. This variant has not been reported in individuals affected with hereditary cancer in the literature. This variant has not been identified in the general population by the Genome Aggregation Database (gnomAD). The available evidence is insufficient to determine the role of this variant in disease conclusively. Therefore, this variant is classified as a Variant of Uncertain Significance.

NM_000038.6(APC):c.2740T>G (p.Cys914Gly)

Gene: APC (APC regulator of Wnt signaling pathway; plus strand). Cytogenetic location: 5q22.2.
Variant type: single nucleotide variant.
Coding change: c.2740T>G on transcript NM_000038.6 (MANE Select); coding-DNA position 2740, T replaced by G.
Protein change: p.Cys914Gly; replaces cysteine 914 with glycine.
Molecular consequence: missense variant.
Genome position (GRCh38, 1-based): chr5:112,838,334, T>G. VCF-style: chr5-112838334-T-G. GRCh37 (hg19) VCF-style: chr5-112174031-T-G.
Other names: c.2740T>G, p.Cys914Gly (NM_001127510.3, NM_001354895.2); c.2686T>G, p.Cys896Gly (NM_001127511.3); c.2794T>G, p.Cys932Gly (NM_001354896.2); c.2770T>G, p.Cys924Gly (NM_001354897.2); c.2665T>G, p.Cys889Gly (NM_001354898.2); c.2656T>G, p.Cys886Gly (NM_001354899.2); c.2617T>G, p.Cys873Gly (NM_001354900.2); c.2563T>G, p.Cys855Gly (NM_001354901.2); and 5 more; short protein forms C914G, C896G, C631G, C813G, C886G, C924G, C823G, C855G.
Identifiers: ClinVar variation 482449 (VCV000482449.24), dbSNP rs1554084426, ClinGen allele CA16027308.